The following is an entry in ClinVar:

ClinVar aggregate classification (germline): Conflicting classifications of pathogenicity. Review status: criteria provided, conflicting classifications (1 of 4 stars). 6 submissions from 6 submitters: Uncertain significance (1); Benign (1); Likely benign (3). 1 of the submissions does not count toward it. Last evaluated 2026-01-28.

Conditions:
Glutaric aciduria, type 1. Also called: Glutaryl-CoA dehydrogenase deficiency; Glutaricacidemia Type 1; Glutaric acidemia type I; Glutaricaciduria, type I; Glutaric Acidemia Type 1; GA I. Identifiers: Orphanet 25, MedGen C0268595, MONDO:0009281, OMIM 231670.
GCDH-related disorder. Also called: GCDH-related condition.
Inborn genetic diseases. Identifiers: MedGen C0950123, MeSH D030342.

Allele frequency attached by ClinVar (database versions not stated): ESP Exome Variant Server 0.00008; gnomAD exomes 0.00013 and 0.00035; gnomAD 0.00023 and 0.00026; TOPMed 0.00033; ExAC 0.00042; 1000 Genomes Project 30x 0.00062; 1000 Genomes Project 0.00080.
gnomAD v4.1: 224 of 1,614,100 alleles (0.014%); highest among the groups gnomAD compares: East Asian, 0.41%; no homozygotes.

Submissions (6):

Labcorp Genetics (formerly Invitae), Labcorp
Classification: Benign for Glutaric aciduria, type 1. Last evaluated: 2026-01-28. Review status: criteria provided, single submitter. Criteria: Invitae Variant Classification Sherloc (09022015). Collection method: clinical testing. Allele origin: germline.

Blueprint Genetics
Classification: Likely benign. Last evaluated: 2024-09-23. Review status: criteria provided, single submitter. Criteria: ACMG Guidelines, 2015. Collection method: clinical testing. Allele origin: germline.

Ambry Genetics
Classification: Likely benign for Inborn genetic diseases. Last evaluated: 2024-08-12. Review status: criteria provided, single submitter. Criteria: Ambry Variant Classification Scheme 2023. Collection method: clinical testing. Allele origin: germline.

Illumina Laboratory Services, Illumina
Classification: Uncertain significance for Glutaric aciduria, type 1. Last evaluated: 2018-01-12. Review status: criteria provided, single submitter. Criteria: ICSL Variant Classification Criteria 13 December 2019. Collection method: clinical testing. Allele origin: germline.

GeneDx
Classification: Likely benign. Last evaluated: 2016-11-15. Review status: criteria provided, single submitter. Criteria: GeneDx Variant Classification (06012015). Collection method: clinical testing. Allele origin: germline. Affected: yes.
Comment: This variant is considered likely benign or benign based on one or more of the following criteria: it is a conservative change, it occurs at a poorly conserved position in the protein, it is predicted to be benign by multiple in silico algorithms, and/or has population frequency not consistent with disease.

PreventionGenetics, part of Exact Sciences
Classification: Likely benign for GCDH-related condition. Last evaluated: 2024-04-12. Review status: no assertion criteria provided. Collection method: clinical testing. Allele origin: germline. Not counted in ClinVar's aggregate classification.
Comment: This variant is classified as likely benign based on ACMG/AMP sequence variant interpretation guidelines (Richards et al. 2015 PMID: 25741868, with internal and published modifications).

NM_000159.4(GCDH):c.738G>A (p.Ser246=)

Gene: GCDH (glutaryl-CoA dehydrogenase; plus strand). Cytogenetic location: 19p13.13.
Variant type: single nucleotide variant.
Coding change: c.738G>A on transcript NM_000159.4 (MANE Select); coding-DNA position 738, G replaced by A.
Protein change: p.Ser246=; no amino-acid change (serine 246 retained).
Molecular consequence: synonymous variant. On other transcripts: non-coding transcript variant (2).
Genome position (GRCh38, 1-based): chr19:12,896,307, G>A. VCF-style: chr19-12896307-G-A. GRCh37 (hg19) VCF-style: chr19-13007121-G-A.
Other names: c.738G>A, p.Ser246= (NM_013976.5).
Identifiers: ClinVar variation 391102 (VCV000391102.20), dbSNP rs188548539, ClinGen allele CA9234478.
Genomic context (GRCh38, chr19:12,896,307, plus strand): 5'-TCGGTGTGAAGATGGCTGCATTCGGGGCTTCCTGCTGGAGAAGGGGATGCGGGGTCTCTC[G>A]GCCCCCAGGATCCAGGGCAAGTTCTCGCTGCGGGCCTCAGCCACAGGCATGATCATCATG-3'
Protein context (NP_000150.1, residues 236-256): FLLEKGMRGL[Ser246=]APRIQGKFSL